The following is an entry in ClinVar:

NM_017777.4(MKS1):c.322C>A (p.Arg108Ser)

Gene: MKS1 (MKS transition zone complex subunit 1; minus strand). Cytogenetic location: 17q22.
Variant type: single nucleotide variant.
Coding change: c.322C>A on transcript NM_017777.4 (MANE Select); coding-DNA position 322, C replaced by A.
Protein change: p.Arg108Ser; replaces arginine 108 with serine.
Molecular consequence: missense variant. On other transcripts: 5 prime UTR variant (1).
Genome position (GRCh38, 1-based): chr17:58,216,183, G>T on the plus strand (C>A on the coding strand, the complement: MKS1 is on the minus strand). VCF-style: chr17-58216183-G-T. GRCh37 (hg19) VCF-style: chr17-56293544-G-T.
Other names: c.-190C>A (NM_001321268.2); c.322C>A, p.Arg108Ser (NM_001321269.2, NM_001330397.2, NM_001411113.1); short protein forms R108S.
Identifiers: ClinVar variation 3350347 (VCV003350347.1).

ClinVar aggregate classification (germline): Uncertain significance (0 of 4 stars; one submission).

Conditions:
MKS1-related disorder. Also called: MKS1-related condition; MKS1-related disorders. Identifiers: MedGen CN239382.

Submission:

PreventionGenetics, part of Exact Sciences
Classification: Uncertain significance for MKS1-related condition. Last evaluated: 2024-09-06. Review status: no assertion criteria provided. Collection method: clinical testing. Allele origin: germline.
Comment: The MKS1 c.322C>A variant is predicted to result in the amino acid substitution p.Arg108Ser. To our knowledge, this variant has not been reported in the literature or in a large population database, indicating this variant is rare. At this time, the clinical significance of this variant is uncertain due to the absence of conclusive functional and genetic evidence.